The following is an entry in ClinVar:

NM_006383.4(CIB2):c.34C>T (p.Gln12Ter)

Genes: CIB2 (calcium and integrin binding family member 2; minus strand), LOC130057683 (ATAC-STARR-seq lymphoblastoid silent region 6705; plus strand). Cytogenetic location: 15q25.1.
Variant type: single nucleotide variant.
Coding change: c.34C>T on transcript NM_006383.4 (MANE Select); coding-DNA position 34, C replaced by T.
Protein change: p.Gln12Ter; replaces glutamine 12 with a stop codon.
Molecular consequence: nonsense. On other transcripts: 5 prime UTR variant (1), non-coding transcript variant (1).
Genome position (GRCh38, 1-based): chr15:78,131,182, G>A on the plus strand (C>T on the coding strand, the complement: CIB2 is on the minus strand). VCF-style: chr15-78131182-G-A. GRCh37 (hg19) VCF-style: chr15-78423524-G-A.
Other names: c.-61C>T (NM_001271888.2); c.34C>T, p.Gln12Ter (NM_001271889.2, NM_001301224.2); short protein forms Q12*.
Identifiers: ClinVar variation 4796692 (VCV004796692.1).

ClinVar aggregate classification (germline): Likely pathogenic (1 of 4 stars; one submission).

Conditions:
Autosomal recessive nonsyndromic hearing loss 48. Also called: Deafness, autosomal recessive 48; Usher Syndrome Type 1J. Identifiers: Orphanet 231169, Orphanet 886, Orphanet 90636, MedGen C1836199, MONDO:0012273, OMIM 609439.

gnomAD v4.1: 1 of 1,590,956 alleles (0.000063%); highest among the groups gnomAD compares: South Asian, 0.0011%; no homozygotes.

Submission:

Genetics Research Center, University of Social Welfare and Rehabilitation Sciences
Classification: Likely pathogenic for Autosomal recessive nonsyndromic hearing loss 48. Last evaluated: 2025-12-09. Review status: criteria provided, single submitter. Criteria: ACMG Guidelines, 2015. Collection method: research. Allele origin: germline. Affected: yes.
Comment: The variant is not present in the gnomAD v2.1.1 dataset and has been previously reported in individual(s) affected with CIB2-related hearing loss (PMID:29084757). It is a stop-gain mutation expected to disrupt normal protein function either through nonsense-mediated decay (NMD) or by producing a truncated protein.

Literature cited by the submitters: PubMed 29084757.